The following is an entry in ClinVar:

NM_001387690.1(KATNAL2):c.51+16361C>T

Gene: KATNAL2 (katanin catalytic subunit A1 like 2; plus strand). Cytogenetic location: 18q21.1.
Variant type: single nucleotide variant.
Coding change: c.51+16361C>T on transcript NM_001387690.1 (MANE Select); 16361 bases into the intron after coding-DNA position 51, C replaced by T.
Molecular consequence: intron variant.
Genome position (GRCh38, 1-based): chr18:46,963,284, C>T. VCF-style: chr18-46963284-C-T. GRCh37 (hg19) VCF-style: chr18-44543247-C-T.
Other names: c.-2+16361C>T (NM_001353904.1, NM_001353903.1, NM_001353907.1 and 3 more transcripts); c.129+16361C>T (NM_001353899.1, NM_001353900.1, NM_001353902.1); c.51+16361C>T (NM_001353901.1, NM_001367621.1); c.-295+16361C>T (NM_001353905.1); c.-95+16361C>T (NM_031303.3).
Identifiers: ClinVar variation 3389199 (VCV003389199.14).

ClinVar aggregate classification (germline): Likely benign (1 of 4 stars; one submission).

Submission:

CeGaT Center for Human Genetics Tuebingen
Classification: Likely benign. Last evaluated: 2024-11-01. Review status: criteria provided, single submitter. Criteria: CeGaT Center For Human Genetics Tuebingen Variant Classification Criteria Version 2. Collection method: clinical testing. Allele origin: germline. Affected: yes. Observed: 1 variant allele.
Comment: ELOA3DP: BP4, BP7